The following is an entry in ClinVar:

NM_024312.5(GNPTAB):c.2972T>G (p.Met991Arg)

Gene: GNPTAB (N-acetylglucosamine-1-phosphate transferase subunits alpha and beta; minus strand). Cytogenetic location: 12q23.2.
Variant type: single nucleotide variant.
Coding change: c.2972T>G on transcript NM_024312.5 (MANE Select); coding-DNA position 2972, T replaced by G.
Protein change: p.Met991Arg; replaces methionine 991 with arginine.
Molecular consequence: missense variant.
Genome position (GRCh38, 1-based): chr12:101,761,290, A>C on the plus strand (T>G on the coding strand, the complement: GNPTAB is on the minus strand). VCF-style: chr12-101761290-A-C. GRCh37 (hg19) VCF-style: chr12-102155068-A-C.
Other names: short protein forms M991R.
Identifiers: ClinVar variation 2419010 (VCV002419010.3), dbSNP rs2547954438, ClinGen allele CA386295931.
Genomic context (GRCh38, chr12:101,761,290, plus strand): 5'-GATATATTCAGTGGCTGCACTGCACTCATGAGATAATAAAAATAAGAGAAGGCAAACTGC[A>C]TATCCTCAGAATGGCGCACTTTGTGAAATGACGTCTTGTCAAATTCTTCAGGGAACCTGT-3'
Protein context (NP_077288.2, residues 981-1001): SFHKVRHSED[Met991Arg]QFAFSYFYYL

ClinVar aggregate classification (germline): Uncertain significance (1 of 4 stars; one submission).

Conditions:
Mucolipidosis type II. Also called: ML II ALPHA/BETA; Mucolipidosis 2; ML 2; Inclusion cell disease; Leroy Disease; N-acetylglucosamine 1phosphotransferase deficiency. Identifiers: Orphanet 576, MedGen C2673377, MONDO:0009650, OMIM 252500.
Pseudo-Hurler polydystrophy. Also called: ML III; ML III ALPHA/BETA; Type III Mucolipidosis; ML IIIA; Mucolipidosis III Alpha/Beta; MUCOLIPIDOSIS IIIA. Identifiers: Orphanet 423461, Orphanet 577, MedGen C0033788, MONDO:0018931, OMIM 252600.

Submission:

Labcorp Genetics (formerly Invitae), Labcorp
Classification: Uncertain significance for Pseudo-Hurler polydystrophy; Mucolipidosis type II. Last evaluated: 2022-09-18. Review status: criteria provided, single submitter. Criteria: Invitae Variant Classification Sherloc (09022015). Collection method: clinical testing. Allele origin: germline.
Comment: This sequence change replaces methionine, which is neutral and non-polar, with arginine, which is basic and polar, at codon 991 of the GNPTAB protein (p.Met991Arg). This variant is not present in population databases (gnomAD no frequency). This missense change has been observed in individual(s) with clinical features of mucolipidosis (PMID: 30882951). Advanced modeling of protein sequence and biophysical properties (such as structural, functional, and spatial information, amino acid conservation, physicochemical variation, residue mobility, and thermodynamic stability) performed at Invitae indicates that this missense variant is expected to disrupt GNPTAB protein function. Algorithms developed to predict the effect of sequence changes on RNA splicing suggest that this variant may disrupt the consensus splice site. In summary, the available evidence is currently insufficient to determine the role of this variant in disease. Therefore, it has been classified as a Variant of Uncertain Significance.

Literature cited by the submitters: PubMed 30882951.